The following is an entry in ClinVar:

ClinVar aggregate classification (germline): Uncertain significance (1 of 4 stars; one submission).

Submission:

Dasa
Classification: Uncertain significance. Last evaluated: 2025-02-03. Review status: criteria provided, single submitter. Criteria: DASA Assertion Criteria. Collection method: clinical testing. Allele origin: germline.
Comment: NM_001014447.3(CPZ):c.734del (p.Gly245Alafs*17) is a frameshift variant in CPZ predicted to alter the reading frame and introduce a premature termination codon. This variant is absent from population databases. The currently available literature and clinical evidence are not sufficient to establish a definitive association between this variant and the reported condition. Therefore, this variant is classified as a variant of uncertain significance.

NM_001014447.3(CPZ):c.734del (p.Gly245fs)

Gene: CPZ (carboxypeptidase Z; plus strand). Cytogenetic location: 4p16.1.
Variant type: Deletion.
Coding change: c.734del on transcript NM_001014447.3 (MANE Select); coding-DNA position 734, one base deleted (G; older notation c.734delG).
Protein change: p.Gly245fs; shifts the reading frame from glycine 245.
Molecular consequence: frameshift variant.
Genome position (GRCh38, 1-based): chr4:8,606,013, G deleted; the last of 2 consecutive G bases (chr4:8,606,012-8,606,013); deleting either gives the same sequence. VCF-style (leftmost placement, unchanged base first): chr4-8606011-CG-C. GRCh37 (hg19) VCF-style: chr4-8607738-CG-C.
Other names: c.323del, p.Gly108fs (NM_001014448.3); c.701del, p.Gly234fs (NM_003652.4); short protein forms G108fs, G234fs, G245fs.
Identifiers: ClinVar variation 4883849 (VCV004883849.2).
Genomic context (GRCh38, chr4:8,606,011, plus strand): 5'-TTTGAGATGATGCCCCAAGTCTCTGTATTTGCCCCCAGTGGAGCCCGAGGTGAAGCTCAT[CG>C]GCAACATTCATGGCAACGAGGTGGCGGGCCGGGAGATGCTCATCTACCTAGCCCAGTACC-3'